The following is an entry in ClinVar:

ClinVar aggregate classification (germline): Uncertain significance. Review status: criteria provided, multiple submitters, no conflicts (2 of 4 stars). 2 submissions from 2 submitters: Uncertain significance (2). Last evaluated 2021-08-09.

Conditions:
Inborn genetic diseases. Identifiers: MedGen C0950123, MeSH D030342.
Cataract 36. Identifiers: MedGen C3151304, MONDO:0013484, OMIM 613887.

Allele frequency attached by ClinVar (database versions not stated): gnomAD exomes below 0.00001 and 0.00001; ExAC 0.00001; TOPMed 0.00003; gnomAD 0.00004 and 0.00007; ESP Exome Variant Server 0.00008.
gnomAD v4.1: 27 of 1,614,182 alleles (0.0017%); highest among the groups gnomAD compares: African/African-American, 0.02%; no homozygotes.

Submissions (2):

Ambry Genetics
Classification: Uncertain significance for Inborn genetic diseases. Last evaluated: 2021-08-09. Review status: criteria provided, single submitter. Criteria: Ambry Variant Classification Scheme 2023. Collection method: clinical testing. Allele origin: germline.

Labcorp Genetics (formerly Invitae), Labcorp
Classification: Uncertain significance for Cataract 36. Last evaluated: 2019-11-05. Review status: criteria provided, single submitter. Criteria: Invitae Variant Classification Sherloc (09022015). Collection method: clinical testing. Allele origin: germline.
Comment: This variant has not been reported in the literature in individuals with TDRD7-related conditions. This sequence change replaces histidine with asparagine at codon 421 of the TDRD7 protein (p.His421Asn). The histidine residue is weakly conserved and there is a small physicochemical difference between histidine and asparagine. This variant is present in population databases (rs112811088, ExAC 0.01%). Algorithms developed to predict the effect of missense changes on protein structure and function (SIFT, PolyPhen-2, Align-GVGD) all suggest that this variant is likely to be tolerated, but these predictions have not been confirmed by published functional studies and their clinical significance is uncertain. In summary, the available evidence is currently insufficient to determine the role of this variant in disease. Therefore, it has been classified as a Variant of Uncertain Significance.

NM_014290.3(TDRD7):c.1261C>A (p.His421Asn)

Gene: TDRD7 (tudor domain containing 7; plus strand). Cytogenetic location: 9q22.33.
Variant type: single nucleotide variant.
Coding change: c.1261C>A on transcript NM_014290.3 (MANE Select); coding-DNA position 1261, C replaced by A.
Protein change: p.His421Asn; replaces histidine 421 with asparagine.
Molecular consequence: missense variant.
Genome position (GRCh38, 1-based): chr9:97,460,583, C>A. VCF-style: chr9-97460583-C-A. GRCh37 (hg19) VCF-style: chr9-100222865-C-A.
Other names: c.1039C>A, p.His347Asn (NM_001302884.2); short protein forms H347N, H421N.
Identifiers: ClinVar variation 954824 (VCV000954824.10), dbSNP rs112811088, ClinGen allele CA5146624.